The following is an entry in ClinVar:

NM_000170.3(GLDC):c.932A>G (p.Asp311Gly)

Gene: GLDC (glycine decarboxylase; minus strand). Cytogenetic location: 9p24.1.
Variant type: single nucleotide variant.
Coding change: c.932A>G on transcript NM_000170.3 (MANE Select); coding-DNA position 932, A replaced by G.
Protein change: p.Asp311Gly; replaces aspartic acid 311 with glycine.
Molecular consequence: missense variant.
Genome position (GRCh38, 1-based): chr9:6,604,714, T>C on the plus strand (A>G on the coding strand, the complement: GLDC is on the minus strand). VCF-style: chr9-6604714-T-C. GRCh37 (hg19) VCF-style: chr9-6604714-T-C.
Other names: short protein forms D311G.
Identifiers: ClinVar variation 1702562 (VCV001702562.2), dbSNP rs2129896343, ClinGen allele CA372895784.
Genomic context (GRCh38, chr9:6,604,714, plus strand): 5'-GCATGGGGTCCCCCATAGCCCAGTGGCACTCCAAATCTCTGGGAGCTGCCCAGGGCGATG[T>C]CTACCCCAAATTCTCCAGGTGGCCTCAAGATGCACAAAGCTAAAAGGTCAGTAGCACAGC-3'
Protein context (NP_000161.2, residues 301-321): ILRPPGEFGV[Asp311Gly]IALGSSQRFG

ClinVar aggregate classification (germline): Uncertain significance (1 of 4 stars; one submission).

Allele frequency attached by ClinVar (database versions not stated): gnomAD exomes below 0.00001.
gnomAD v4.1: 4 of 1,614,120 alleles (0.00025%); highest among the groups gnomAD compares: Non-Finnish European, 0.00034%; no homozygotes.

Submission:

GeneDx
Classification: Uncertain significance. Last evaluated: 2022-02-21. Review status: criteria provided, single submitter. Criteria: GeneDx Variant Classification Process June 2021. Collection method: clinical testing. Allele origin: germline. Affected: yes.
Comment: Not observed at significant frequency in large population cohorts (gnomAD); In silico analysis supports that this missense variant has a deleterious effect on protein structure/function; Has not been previously published as pathogenic or benign to our knowledge